The following is an entry in ClinVar:

ClinVar aggregate classification (germline): Conflicting classifications of pathogenicity. Review status: criteria provided, conflicting classifications (1 of 4 stars). 4 submissions from 4 submitters: Uncertain significance (3); Likely benign (1). Last evaluated 2022-05-20.

Conditions:
Inborn genetic diseases. Identifiers: MedGen C0950123, MeSH D030342.
Hyperphosphatasia with impaired intellectual development syndrome 2. Also called: GLYCOSYLPHOSPHATIDYLINOSITOL BIOSYNTHESIS DEFECT 6; Hyperphosphatasia with intellectual disability syndrome 2. Identifiers: Orphanet 247262, MedGen C3553637, MONDO:0013882, OMIM 614749.

Allele frequency attached by ClinVar (database versions not stated): gnomAD 0.00006 and 0.00003; gnomAD exomes 0.00009 and 0.00005; 1000 Genomes Project 0.00020; ExAC 0.00004; 1000 Genomes Project 30x 0.00016; TOPMed 0.00001.

Submissions (4):

Labcorp Genetics (formerly Invitae), Labcorp
Classification: Uncertain significance for Hyperphosphatasia with impaired intellectual development syndrome 2. Last evaluated: 2022-05-20. Review status: criteria provided, single submitter. Criteria: Invitae Variant Classification Sherloc (09022015). Collection method: clinical testing. Allele origin: germline.
Comment: This sequence change replaces leucine, which is neutral and non-polar, with glutamine, which is neutral and polar, at codon 396 of the PIGO protein (p.Leu396Gln). This variant is present in population databases (rs146501297, gnomAD 0.06%). This variant has not been reported in the literature in individuals affected with PIGO-related conditions. ClinVar contains an entry for this variant (Variation ID: 912864). Algorithms developed to predict the effect of missense changes on protein structure and function are either unavailable or do not agree on the potential impact of this missense change (SIFT: "Deleterious"; PolyPhen-2: "Probably Damaging"; Align-GVGD: "Class C0"). In summary, the available evidence is currently insufficient to determine the role of this variant in disease. Therefore, it has been classified as a Variant of Uncertain Significance.

Ambry Genetics
Classification: Likely benign for Inborn genetic diseases. Last evaluated: 2022-05-13. Review status: criteria provided, single submitter. Criteria: Ambry Variant Classification Scheme 2023. Collection method: clinical testing. Allele origin: germline.

GeneDx
Classification: Uncertain significance. Last evaluated: 2021-02-09. Review status: criteria provided, single submitter. Criteria: GeneDx Variant Classification Process June 2021. Collection method: clinical testing. Allele origin: germline. Affected: yes.
Comment: In silico analysis supports that this missense variant has a deleterious effect on protein structure/function; Has not been previously published as pathogenic or benign to our knowledge

Illumina Laboratory Services, Illumina
Classification: Uncertain significance for Hyperphosphatasia with impaired intellectual development syndrome 2. Last evaluated: 2018-01-13. Review status: criteria provided, single submitter. Criteria: ICSL Variant Classification Criteria 13 December 2019. Collection method: clinical testing. Allele origin: germline.

NM_032634.4(PIGO):c.1187T>A (p.Leu396Gln)

Gene: PIGO (phosphatidylinositol glycan anchor biosynthesis class O; minus strand). Cytogenetic location: 9p13.3.
Variant type: single nucleotide variant.
Coding change: c.1187T>A on transcript NM_032634.4 (MANE Select); coding-DNA position 1187, T replaced by A.
Protein change: p.Leu396Gln; replaces leucine 396 with glutamine.
Molecular consequence: missense variant.
Genome position (GRCh38, 1-based): chr9:35,092,700, A>T on the plus strand (T>A on the coding strand, the complement: PIGO is on the minus strand). VCF-style: chr9-35092700-A-T. GRCh37 (hg19) VCF-style: chr9-35092697-A-T.
Other names: c.1187T>A, p.Leu396Gln (NM_001201484.2, NM_152850.4); short protein forms L396Q.
Identifiers: ClinVar variation 912864 (VCV000912864.12), dbSNP rs146501297, ClinGen allele CA5040699.